The following is an entry in ClinVar:

NM_021076.4(NEFH):c.782A>G (p.Asp261Gly)

Gene: NEFH (neurofilament heavy chain; plus strand). Cytogenetic location: 22q12.2.
Variant type: single nucleotide variant.
Coding change: c.782A>G on transcript NM_021076.4 (MANE Select); coding-DNA position 782, A replaced by G.
Protein change: p.Asp261Gly; replaces aspartic acid 261 with glycine.
Molecular consequence: missense variant.
Genome position (GRCh38, 1-based): chr22:29,481,044, A>G. VCF-style: chr22-29481044-A-G. GRCh37 (hg19) VCF-style: chr22-29877033-A-G.
Other names: p.Asp261Gly; short protein forms D261G.
Identifiers: ClinVar variation 1408483 (VCV001408483.9), dbSNP rs768531339, ClinGen allele CA323083179.

ClinVar aggregate classification (germline): Conflicting classifications of pathogenicity. Review status: criteria provided, conflicting classifications (1 of 4 stars). 3 submissions from 3 submitters: Uncertain significance (2); Likely benign (1). Last evaluated 2025-10-19.

Conditions:
Inborn genetic diseases. Identifiers: MedGen C0950123, MeSH D030342.

Allele frequency attached by ClinVar (database versions not stated): gnomAD 0.00013.
gnomAD v4.1: 161 of 1,531,166 alleles (0.011%); highest among the groups gnomAD compares: Non-Finnish European, 0.013%; no homozygotes.

Submissions (3):

Labcorp Genetics (formerly Invitae), Labcorp
Classification: Uncertain significance. Last evaluated: 2025-10-19. Review status: criteria provided, single submitter. Criteria: Invitae Variant Classification Sherloc (09022015). Collection method: clinical testing. Allele origin: germline.
Comment: This sequence change replaces aspartic acid, which is acidic and polar, with glycine, which is neutral and non-polar, at codon 261 of the NEFH protein (p.Asp261Gly). This variant is present in population databases (rs768531339, gnomAD 0.02%). This variant has not been reported in the literature in individuals affected with NEFH-related conditions. ClinVar contains an entry for this variant (Variation ID: 1408483). Invitae Evidence Modeling of protein sequence and biophysical properties (such as structural, functional, and spatial information, amino acid conservation, physicochemical variation, residue mobility, and thermodynamic stability) indicates that this missense variant is not expected to disrupt NEFH protein function with a negative predictive value of 95%. In summary, the available evidence is currently insufficient to determine the role of this variant in disease. Therefore, it has been classified as a Variant of Uncertain Significance.

Mayo Clinic Laboratories, Mayo Clinic
Classification: Uncertain significance. Last evaluated: 2025-05-06. Review status: criteria provided, single submitter. Criteria: ACMG Guidelines, 2015. Collection method: clinical testing. Allele origin: germline. Observed: 1 variant allele.
Comment: BS2

Ambry Genetics
Classification: Likely benign for Inborn genetic diseases. Last evaluated: 2021-06-08. Review status: criteria provided, single submitter. Criteria: Ambry Variant Classification Scheme 2023. Collection method: clinical testing. Allele origin: germline.